The following is an entry in ClinVar:

ClinVar aggregate classification (germline): Uncertain significance (1 of 4 stars; one submission).

Conditions:
Renal cell carcinoma. Identifiers: Orphanet 217071, MedGen C0007134, MeSH D002292, MONDO:0005086, HP:0005584.

Submission:

Labcorp Genetics (formerly Invitae), Labcorp
Classification: Uncertain significance for Renal cell carcinoma. Last evaluated: 2022-04-25. Review status: criteria provided, single submitter. Criteria: Invitae Variant Classification Sherloc (09022015). Collection method: clinical testing. Allele origin: germline.
Comment: This sequence change replaces serine, which is neutral and polar, with glycine, which is neutral and non-polar, at codon 170 of the MET protein (p.Ser170Gly). This variant is not present in population databases (gnomAD no frequency). This variant has not been reported in the literature in individuals affected with MET-related conditions. Algorithms developed to predict the effect of missense changes on protein structure and function output the following: SIFT: "Tolerated"; PolyPhen-2: "Benign"; Align-GVGD: "Class C0". The glycine amino acid residue is found in multiple mammalian species, which suggests that this missense change does not adversely affect protein function. In summary, the available evidence is currently insufficient to determine the role of this variant in disease. Therefore, it has been classified as a Variant of Uncertain Significance.

NM_000245.4(MET):c.508A>G (p.Ser170Gly)

Gene: MET (MET proto-oncogene, receptor tyrosine kinase; plus strand). Cytogenetic location: 7q31.2.
Variant type: single nucleotide variant.
Coding change: c.508A>G on transcript NM_000245.4 (MANE Select); coding-DNA position 508, A replaced by G.
Protein change: p.Ser170Gly; replaces serine 170 with glycine.
Molecular consequence: missense variant. On other transcripts: intron variant (1).
Genome position (GRCh38, 1-based): chr7:116,699,592, A>G. VCF-style: chr7-116699592-A-G. GRCh37 (hg19) VCF-style: chr7-116339646-A-G.
Other names: c.508A>G, p.Ser170Gly (NM_001127500.3, NM_001324401.3); c.-91+27015A>G (NM_001324402.2); short protein forms S170G.
Identifiers: ClinVar variation 2126840 (VCV002126840.4), dbSNP rs750102016, ClinGen allele CA368969234.
Genomic context (GRCh38, chr7:116,699,592, plus strand): 5'-CATACTGCTGACATACAGTCGGAGGTTCACTGCATATTCTCCCCACAGATAGAAGAGCCC[A>G]GCCAGTGTCCTGACTGTGTGGTGAGCGCCCTGGGAGCCAAAGTCCTTTCATCTGTAAAGG-3'
Protein context (NP_000236.2, residues 160-180): CIFSPQIEEP[Ser170Gly]QCPDCVVSAL